The following is an entry in ClinVar:

NM_001370259.2(MEN1):c.1387G>T (p.Glu463Ter)

Gene: MEN1 (menin 1; minus strand). Cytogenetic location: 11q13.1.
Variant type: single nucleotide variant.
Coding change: c.1387G>T on transcript NM_001370259.2 (MANE Select); coding-DNA position 1387, G replaced by T.
Protein change: p.Glu463Ter; replaces glutamic acid 463 with a stop codon.
Molecular consequence: nonsense.
Genome position (GRCh38, 1-based): chr11:64,804,780, C>A on the plus strand (G>T on the coding strand, the complement: MEN1 is on the minus strand). VCF-style: chr11-64804780-C-A. GRCh37 (hg19) VCF-style: chr11-64572252-C-A.
Other names: c.1513G>T, p.Glu505Ter (NM_001407143.1, NM_001407144.1, NM_001370251.2 and 1 more transcripts); c.1402G>T, p.Glu468Ter (NM_001407145.1, NM_000244.4, NM_130800.3 and 4 more transcripts); c.1387G>T, p.Glu463Ter (NM_001407146.1, NM_001407147.1, NM_001370260.2 and 2 more transcripts); c.1282G>T, p.Glu428Ter (NM_001407148.1, NM_001407149.1, NM_001370262.2 and 1 more transcripts); c.1528G>T, p.Glu510Ter (NM_001407150.1); c.1408G>T, p.Glu470Ter (NM_001407151.1); c.1222G>T, p.Glu408Ter (NM_001407152.1); short protein forms E463*, E470*, E428*, E468*, E505*, E408*, E510*.
Identifiers: ClinVar variation 1771443 (VCV001771443.5), dbSNP rs748102589, ClinGen allele CA381179739.

ClinVar aggregate classification (germline): Pathogenic. Review status: criteria provided, multiple submitters, no conflicts (2 of 4 stars). 2 submissions from 2 submitters: Pathogenic (2). Last evaluated 2024-06-11.

Conditions:
Hereditary cancer-predisposing syndrome. Also called: Tumor predisposition; Neoplastic Syndromes, Hereditary; Hereditary Cancer Syndrome; Hereditary neoplastic syndrome. Identifiers: Orphanet 140162, MedGen C0027672, MeSH D009386, MONDO:0015356.
Multiple endocrine neoplasia, type 1 (MEN1). Also called: MEN I; WERMER SYNDROME; Endocrine adenomatosis multiple; MEN 1; MEA I. Identifiers: Orphanet 652, MedGen C0025267, MeSH D018761, MONDO:0007540, OMIM 131100.

Submissions (2):

Labcorp Genetics (formerly Invitae), Labcorp
Classification: Pathogenic for Multiple endocrine neoplasia, type 1. Last evaluated: 2024-06-11. Review status: criteria provided, single submitter. Criteria: Invitae Variant Classification Sherloc (09022015). Collection method: clinical testing. Allele origin: germline.
Comment: This sequence change creates a premature translational stop signal (p.Glu463*) in the MEN1 gene. While this is not anticipated to result in nonsense mediated decay, it is expected to disrupt the last 148 amino acid(s) of the MEN1 protein. This variant is not present in population databases (gnomAD no frequency). This premature translational stop signal has been observed in individual(s) with multiple endocrine neoplasia type 1 (PMID: 10980535). ClinVar contains an entry for this variant (Variation ID: 1771443). This variant disrupts a region of the MEN1 protein in which other variant(s) (p.Thr580Argfs*8 ) have been determined to be pathogenic (Invitae). This suggests that this is a clinically significant region of the protein, and that variants that disrupt it are likely to be disease-causing. For these reasons, this variant has been classified as Pathogenic.

Ambry Genetics
Classification: Pathogenic for Hereditary cancer-predisposing syndrome. Last evaluated: 2021-08-19. Review status: criteria provided, single submitter. Criteria: Ambry Variant Classification Scheme 2023. Collection method: clinical testing. Allele origin: germline.
Comment: The p.E463* pathogenic mutation (also known as c.1387G>T), located in coding exon 9 of the MEN1 gene, results from a G to T substitution at nucleotide position 1387. This changes the amino acid from a glutamic acid to a stop codon within coding exon 9. This alteration occurs at the 3' terminus of theMEN1 gene, is not expected to trigger nonsense-mediated mRNA decay, and impacts the last 148 amino acids of the protein. However, premature stop codons are typically deleterious in nature and a significant portion of the protein is affected (Ambry internal data). This mutation has been reported in multiple individuals with a clinical diagnosis of multiple endocrine neoplasia type 1 (MEN1) (Jakobovitz-Picard O et al. Hum. Mutat., 2000 Sep;16:269; Horiuchi K et al. Surg Today, 2013 Aug;43:894-9; Ambry internal data). This variant is considered to be rare based on population cohorts in the Genome Aggregation Database (gnomAD). Based on the supporting evidence, this alteration is interpreted as a disease-causing mutation.

Literature cited by the submitters: PubMed 10980535 (cited by Labcorp Genetics (formerly Invitae), Labcorp and Ambry Genetics); PubMed 23052745 (cited by Ambry Genetics).